The following is an entry in ClinVar:

NM_172364.5(CACNA2D4):c.*1275T>G

Gene: CACNA2D4 (calcium voltage-gated channel auxiliary subunit alpha2delta 4; minus strand). Cytogenetic location: 12p13.33.
Variant type: single nucleotide variant.
Coding change: c.*1275T>G on transcript NM_172364.5 (MANE Select); 1275 bases downstream of the stop codon, T replaced by G.
Molecular consequence: 3 prime UTR variant.
Genome position (GRCh38, 1-based): chr12:1,792,380, A>C on the plus strand (T>G on the coding strand, the complement: CACNA2D4 is on the minus strand). VCF-style: chr12-1792380-A-C. GRCh37 (hg19) VCF-style: chr12-1901546-A-C.
Identifiers: ClinVar variation 307808 (VCV000307808.6), dbSNP rs12811035, ClinGen allele CA10632305.

ClinVar aggregate classification (germline): Benign. Review status: criteria provided, multiple submitters, no conflicts (2 of 4 stars). 2 submissions from 2 submitters: Benign (2). Last evaluated 2018-01-13.

Conditions:
Retinal cone dystrophy 4 (RCD4). Identifiers: Orphanet 1872, MedGen C1864849, MONDO:0012507, OMIM 610478.

Allele frequency attached by ClinVar (database versions not stated): gnomAD exomes 0.09091; gnomAD 0.13240 and 0.13695; TOPMed 0.14448; 1000 Genomes Project 0.15196; 1000 Genomes Project 30x 0.15334.
gnomAD v4.1: 20,997 of 152,262 alleles (14%); highest among the groups gnomAD compares: Admixed American, 23%; 1,843 homozygotes.

Submissions (2):

Illumina Laboratory Services, Illumina
Classification: Benign for Retinal cone dystrophy 4. Last evaluated: 2018-01-13. Review status: criteria provided, single submitter. Criteria: ICSL Variant Classification Criteria 13 December 2019. Collection method: clinical testing. Allele origin: germline.
Comment: This variant was observed in the ICSL laboratory as part of a predisposition screen in an ostensibly healthy population. It had not been previously curated by ICSL or reported in the Human Gene Mutation Database (HGMD: prior to June 1st, 2018), and was therefore a candidate for classification through an automated scoring system. Utilizing variant allele frequency, disease prevalence and penetrance estimates, and inheritance mode, an automated score was calculated to assess if this variant is too frequent to cause the disease. Based on the score and internal cut-off values, a variant classified as benign is not then subjected to further curation. The score for this variant resulted in a classification of benign for this disease.

Breakthrough Genomics
Classification: Benign. Review status: criteria provided, single submitter. Criteria: ACMG Guidelines, 2015. Collection method: not provided. Allele origin: germline. Inheritance: Autosomal recessive inheritance. Affected: yes.